The following is an entry in ClinVar:

NM_152564.5(VPS13B):c.11047del (p.Thr3683fs)

Gene: VPS13B (vacuolar protein sorting 13 homolog B; plus strand). Cytogenetic location: 8q22.2.
Variant type: Deletion.
Coding change: c.11047del on transcript NM_152564.5 (MANE Select); coding-DNA position 11047, one base deleted (A; older notation c.11047delA).
Protein change: p.Thr3683fs; shifts the reading frame from threonine 3683.
Molecular consequence: frameshift variant.
Genome position (GRCh38, 1-based): chr8:99,861,778, A deleted. VCF-style (leftmost placement, unchanged base first): chr8-99861777-TA-T. GRCh37 (hg19) VCF-style: chr8-100874005-TA-T.
Other names: c.11122del, p.Thr3708fs (NM_017890.5); short protein forms T3683fs, T3708fs.
Identifiers: ClinVar variation 1453722 (VCV001453722.6), dbSNP rs2130941591, ClinGen allele CA2573143502.

ClinVar aggregate classification (germline): Pathogenic (1 of 4 stars; one submission).

Conditions:
Cohen syndrome (COH1). Also called: PEPPER SYNDROME; Cutis verticis gyrata, retinitis pigmentosa, and sensorineural deafness. Identifiers: Orphanet 193, MedGen C0265223, MONDO:0008999, OMIM 216550.

Submission:

Labcorp Genetics (formerly Invitae), Labcorp
Classification: Pathogenic for Cohen syndrome. Last evaluated: 2021-04-17. Review status: criteria provided, single submitter. Criteria: Invitae Variant Classification Sherloc (09022015). Collection method: clinical testing. Allele origin: germline.
Comment: For these reasons, this variant has been classified as Pathogenic. This variant has not been reported in the literature in individuals with VPS13B-related conditions. This variant is not present in population databases (ExAC no frequency). This sequence change creates a premature translational stop signal (p.Thr3708Profs*62) in the VPS13B gene. It is expected to result in an absent or disrupted protein product. Loss-of-function variants in VPS13B are known to be pathogenic (PMID: 15141358, 16648375, 20461111).

Literature cited by the submitters: PubMed 15141358; PubMed 16648375; PubMed 20461111.